The following is an entry in ClinVar:

ClinVar aggregate classification (germline): Uncertain significance (1 of 4 stars; one submission).

Conditions:
Mucopolysaccharidosis, MPS-IV-B (MPS4B). Also called: MORQUIO SYNDROME B; Mucopolysaccharidosis Type IVB (Morquio B Disease); Mucopolysaccharidosis type 4B; Mucopolysaccharidosis type IVB (Morquio); MPS IVB; Mucopolysaccharidosis type IV B. Identifiers: Orphanet 309310, Orphanet 582, MedGen C0086652, MONDO:0009660, OMIM 253010.
GM1 gangliosidosis. Identifiers: Orphanet 354, MedGen C0085131, MONDO:0018149.

Allele frequency attached by ClinVar (database versions not stated): gnomAD exomes below 0.00001; TOPMed below 0.00001; gnomAD 0.00001; ESP Exome Variant Server 0.00008.
gnomAD v4.1: 4 of 1,586,310 alleles (0.00025%); highest among the groups gnomAD compares: Non-Finnish European, 0.00034%; no homozygotes.

Submission:

Labcorp Genetics (formerly Invitae), Labcorp
Classification: Uncertain significance for Mucopolysaccharidosis, MPS-IV-B; GM1 gangliosidosis. Last evaluated: 2023-10-22. Review status: criteria provided, single submitter. Criteria: Invitae Variant Classification Sherloc (09022015). Collection method: clinical testing. Allele origin: germline.
Comment: This sequence change replaces glutamine, which is neutral and polar, with arginine, which is basic and polar, at codon 175 of the GLB1 protein (p.Gln175Arg). This variant is not present in population databases (gnomAD no frequency). This variant has not been reported in the literature in individuals affected with GLB1-related conditions. ClinVar contains an entry for this variant (Variation ID: 1357332). Advanced modeling of protein sequence and biophysical properties (such as structural, functional, and spatial information, amino acid conservation, physicochemical variation, residue mobility, and thermodynamic stability) performed at Invitae indicates that this missense variant is expected to disrupt GLB1 protein function. In summary, the available evidence is currently insufficient to determine the role of this variant in disease. Therefore, it has been classified as a Variant of Uncertain Significance.

NM_000404.4(GLB1):c.524A>G (p.Gln175Arg)

Gene: GLB1 (galactosidase beta 1; minus strand). Cytogenetic location: 3p22.3.
Variant type: single nucleotide variant.
Coding change: c.524A>G on transcript NM_000404.4 (MANE Select); coding-DNA position 524, A replaced by G.
Protein change: p.Gln175Arg; replaces glutamine 175 with arginine.
Molecular consequence: missense variant. On other transcripts: synonymous variant (1).
Genome position (GRCh38, 1-based): chr3:33,065,491, T>C on the plus strand (A>G on the coding strand, the complement: GLB1 is on the minus strand). VCF-style: chr3-33065491-T-C. GRCh37 (hg19) VCF-style: chr3-33106983-T-C.
Other names: c.434A>G, p.Gln145Arg (NM_001079811.3); c.312A>G, p.Ser104= (NM_001135602.3); c.668A>G, p.Gln223Arg (NM_001317040.2); c.524A>G, p.Gln175Arg (NM_001393580.1); short protein forms Q145R, Q223R, Q175R.
Identifiers: ClinVar variation 1357332 (VCV001357332.7), dbSNP rs367692210, ClinGen allele CA72668869.